The following is an entry in ClinVar:

ClinVar aggregate classification (germline): Likely benign. Review status: criteria provided, multiple submitters, no conflicts (2 of 4 stars). 2 submissions from 2 submitters: Likely benign (2). Last evaluated 2024-02-01.

Allele frequency attached by ClinVar (database versions not stated): ExAC 0.00038; 1000 Genomes Project 0.00040; gnomAD 0.00044; 1000 Genomes Project 30x 0.00047; TOPMed 0.00048; gnomAD exomes 0.00062; ESP Exome Variant Server 0.00069.
gnomAD v4.1: 965 of 1,612,696 alleles (0.06%); highest among the groups gnomAD compares: Non-Finnish European, 0.077%; no homozygotes.

Submissions (2):

CeGaT Center for Human Genetics Tuebingen
Classification: Likely benign. Last evaluated: 2024-02-01. Review status: criteria provided, single submitter. Criteria: CeGaT Center For Human Genetics Tuebingen Variant Classification Criteria Version 2. Collection method: clinical testing. Allele origin: germline. Affected: yes. Observed: 1 variant allele.
Comment: SPATA4: BP4, BP7

Breakthrough Genomics
Classification: Likely benign. Review status: criteria provided, single submitter. Criteria: ACMG Guidelines, 2015. Collection method: not provided. Allele origin: germline. Inheritance: Unknown mechanism. Affected: yes.

NM_144644.4(SPATA4):c.339G>A (p.Gln113=)

Gene: SPATA4 (spermatogenesis associated 4; minus strand). Cytogenetic location: 4q34.2.
Variant type: single nucleotide variant.
Coding change: c.339G>A on transcript NM_144644.4 (MANE Select); coding-DNA position 339, G replaced by A.
Protein change: p.Gln113=; no amino-acid change (glutamine 113 retained).
Molecular consequence: synonymous variant.
Genome position (GRCh38, 1-based): chr4:176,193,462, C>T on the plus strand (G>A on the coding strand, the complement: SPATA4 is on the minus strand). VCF-style: chr4-176193462-C-T. GRCh37 (hg19) VCF-style: chr4-177114613-C-T.
Identifiers: ClinVar variation 2655201 (VCV002655201.25), dbSNP rs141308490, ClinGen allele CA3145118.